The following is an entry in ClinVar:

NM_006766.5(KAT6A):c.5097_5099dup (p.Pro1701_Leu1702insPro)

Gene: KAT6A (lysine acetyltransferase 6A; minus strand). Cytogenetic location: 8p11.21.
Variant type: Duplication.
Coding change: c.5097_5099dup on transcript NM_006766.5 (MANE Select); coding-DNA positions 5097 to 5099, 3 bases duplicated (GCC; older notation c.5097_5099dupGCC).
Protein change: p.Pro1701_Leu1702insPro.
Molecular consequence: inframe insertion.
Genome position (GRCh38, 1-based): chr8:41,933,121-41,933,123, GGC duplicated on the plus strand (GCC on the coding strand, the reverse complement: KAT6A is on the minus strand). VCF-style (leftmost placement, unchanged base first): chr8-41933120-G-GGGC. GRCh37 (hg19) VCF-style: chr8-41790638-G-GGGC.
Identifiers: ClinVar variation 2572271 (VCV002572271.1), dbSNP rs1821644701, ClinGen allele CA1113181354.

ClinVar aggregate classification (germline): Uncertain significance (1 of 4 stars; one submission).

Allele frequency attached by ClinVar (database versions not stated): gnomAD 0.00001.

Submission:

Greenwood Genetic Center Diagnostic Laboratories, Greenwood Genetic Center
Classification: Uncertain significance. Last evaluated: 2023-06-13. Review status: criteria provided, single submitter. Criteria: ACMG Guidelines, 2015. Collection method: clinical testing. Allele origin: germline. Affected: yes.
Comment: PM2